The following is an entry in ClinVar:

NC_000007.14:g.94425611del

Gene: COL1A2 (collagen type I alpha 2 chain; plus strand). Cytogenetic location: 7q21.3.
Variant type: Deletion.
Genome position: GRCh38 VCF-style: chr7-94425608-AG-A. GRCh37 (hg19) VCF-style: chr7-94054920-AG-A.
Identifiers: ClinVar variation 2093040 (VCV002093040.4), dbSNP rs2484734370, ClinGen allele CA2580077920.

ClinVar aggregate classification (germline): Pathogenic (1 of 4 stars; one submission).

Conditions:
Ehlers-Danlos syndrome, classic type, 1 (EDSCL1). Also called: EHLERS-DANLOS SYNDROME, GRAVIS TYPE; EHLERS-DANLOS SYNDROME, SEVERE CLASSIC TYPE; Ehlers-Danlos syndrome, type 1; EDS I; Ehlers-Danlos Syndrome, Classic Type, COL5A1-Related. Identifiers: MedGen C0268335, MONDO:0019567, OMIM 130000.
Osteogenesis imperfecta type I (OI1). Also called: OI, TYPE I; OSTEOGENESIS IMPERFECTA TARDA; OSTEOGENESIS IMPERFECTA WITH BLUE SCLERAE; Osteogenesis imperfecta type 1; Lobstein's Disease; Lobstein disease. Identifiers: Orphanet 216796, Orphanet 666, MedGen C0023931, MONDO:0008146, OMIM 166200. Disease mechanism: loss of function.

Submission:

Labcorp Genetics (formerly Invitae), Labcorp
Classification: Pathogenic for Osteogenesis imperfecta type I; Ehlers-Danlos syndrome, classic type, 1. Last evaluated: 2022-06-23. Review status: criteria provided, single submitter. Criteria: Invitae Variant Classification Sherloc (09022015). Collection method: clinical testing. Allele origin: germline.
Comment: For these reasons, this variant has been classified as Pathogenic. Algorithms developed to predict the effect of sequence changes on RNA splicing suggest that this variant may disrupt the consensus splice site. This variant has not been reported in the literature in individuals affected with COL1A2-related conditions. This variant is not present in population databases (gnomAD no frequency). This sequence change creates a premature translational stop signal (p.Gly928Alafs*95) in the COL1A2 gene. It is expected to result in an absent or disrupted protein product. Loss-of-function variants in COL1A2 are known to be pathogenic (PMID: 11288717, 15077201).

Literature cited by the submitters: PubMed 11288717; PubMed 15077201.